The following is an entry in ClinVar:

NM_001105206.3(LAMA4):c.924T>C (p.His308=)

Gene: LAMA4 (laminin subunit alpha 4; minus strand). Cytogenetic location: 6q21.
Variant type: single nucleotide variant.
Coding change: c.924T>C on transcript NM_001105206.3 (MANE Select); coding-DNA position 924, T replaced by C.
Protein change: p.His308=; no amino-acid change (histidine 308 retained).
Molecular consequence: synonymous variant.
Genome position (GRCh38, 1-based): chr6:112,187,492, A>G on the plus strand (T>C on the coding strand, the complement: LAMA4 is on the minus strand). VCF-style: chr6-112187492-A-G. GRCh37 (hg19) VCF-style: chr6-112508694-A-G.
Other names: p.H301H:CAT>CAC; c.903T>C, p.His301= (NM_001105207.3, NM_002290.5).
Identifiers: ClinVar variation 44413 (VCV000044413.91), dbSNP rs143580603, ClinGen allele CA282413.

ClinVar aggregate classification (germline): Benign/Likely benign. Review status: criteria provided, multiple submitters, no conflicts (2 of 4 stars). 15 submissions from 15 submitters: Benign (5); Likely benign (4). 6 of the submissions do not count toward it. Last evaluated 2026-09-01.

Conditions:
LAMA4-related disorder. Also called: LAMA4-related condition.
Dilated cardiomyopathy 1JJ (CMD1JJ). Identifiers: Orphanet 154, MedGen C3808935, MONDO:0014095, OMIM 615235.
Cardiomyopathy (CMYO). Also called: Cardiomyopathies. Identifiers: Orphanet 167848, MedGen C0878544, MONDO:0004994, HP:0001638. Inheritance: Various modes of inheritance.

Allele frequency attached by ClinVar (database versions not stated): 1000 Genomes Project 30x 0.00062; gnomAD 0.00205 and 0.00202; gnomAD exomes 0.00284 and 0.00254; 1000 Genomes Project 0.00020; ExAC 0.00263; TOPMed 0.00230; ESP Exome Variant Server 0.00254.
gnomAD v4.1: 4,429 of 1,614,066 alleles (0.27%); highest among the groups gnomAD compares: Middle Eastern, 0.36%; 12 homozygotes.

Submissions (15):

CeGaT Center for Human Genetics Tuebingen
Classification: Likely benign. Last evaluated: 2026-09-01. Review status: criteria provided, single submitter. Criteria: CeGaT Center For Human Genetics Tuebingen Variant Classification Criteria Version 2. Collection method: clinical testing. Allele origin: germline. Affected: yes. Observed: 4 variant alleles.
Comment: LAMA4: BP4, BP7

Labcorp Genetics (formerly Invitae), Labcorp
Classification: Benign for Dilated cardiomyopathy 1JJ. Last evaluated: 2026-02-03. Review status: criteria provided, single submitter. Criteria: Invitae Variant Classification Sherloc (09022015). Collection method: clinical testing. Allele origin: germline.

Women's Health and Genetics/Laboratory Corporation of America, LabCorp
Classification: Benign. Last evaluated: 2025-06-12. Review status: criteria provided, single submitter. Criteria: LabCorp Variant Classification Summary - May 2015. Collection method: clinical testing. Allele origin: germline.

Blueprint Genetics
Classification: Likely benign. Last evaluated: 2024-11-26. Review status: criteria provided, single submitter. Criteria: ACMG Guidelines, 2015. Collection method: clinical testing. Allele origin: germline.

ARUP Laboratories, Molecular Genetics and Genomics, ARUP Laboratories
Classification: Benign for Dilated cardiomyopathy 1JJ. Last evaluated: 2021-10-05. Review status: criteria provided, single submitter. Criteria: ARUP Molecular Germline Variant Investigation Process 2021. Collection method: clinical testing. Allele origin: germline.

CHEO Genetics Diagnostic Laboratory, Children's Hospital of Eastern Ontario
Classification: Likely benign for Cardiomyopathy. Last evaluated: 2016-06-15. Review status: criteria provided, single submitter. Criteria: ACMG Guidelines, 2015. Collection method: clinical testing. Allele origin: germline. Study: Canadian Open Genetics Repository.

GeneDx
Classification: Benign. Last evaluated: 2014-10-09. Review status: criteria provided, single submitter. Criteria: GeneDx Variant Classification (06012015). Collection method: clinical testing. Allele origin: germline. Affected: yes.
Comment: This variant is considered likely benign or benign based on one or more of the following criteria: it is a conservative change, it occurs at a poorly conserved position in the protein, it is predicted to be benign by multiple in silico algorithms, and/or has population frequency not consistent with disease.

Laboratory for Molecular Medicine, Mass General Brigham Personalized Medicine
Classification: Benign. Last evaluated: 2013-02-22. Review status: criteria provided, single submitter. Criteria: LMM Criteria. Collection method: clinical testing. Allele origin: germline. Observed: 4 variant alleles.
Comment: His301His in Exon 08 of LAMA4: This variant is not expected to have clinical sig nificance because it does not alter an amino acid residue, is not located within the splice consensus sequence and has been identified in 0.4% (27/7020) of Euro pean American chromosomes from a broad population by the NHLBI Exome Sequencing Project (dbSNP rs143580603).

Breakthrough Genomics
Classification: Likely benign. Review status: criteria provided, single submitter. Criteria: ACMG Guidelines, 2015. Collection method: not provided. Allele origin: germline. Inheritance: Autosomal dominant inheritance. Affected: yes.

PreventionGenetics, part of Exact Sciences
Classification: Likely benign for LAMA4-related condition. Last evaluated: 2020-04-16. Review status: no assertion criteria provided. Collection method: clinical testing. Allele origin: germline. Not counted in ClinVar's aggregate classification.
Comment: This variant is classified as likely benign based on ACMG/AMP sequence variant interpretation guidelines (Richards et al. 2015 PMID: 25741868, with internal and published modifications).

Clinical Genetics DNA and cytogenetics Diagnostics Lab, Erasmus MC, Erasmus Medical Center
Classification: Likely benign. Review status: no assertion criteria provided. Collection method: clinical testing. Allele origin: germline. Affected: yes. Study: VKGL Data-share Consensus. Not counted in ClinVar's aggregate classification.

Clinical Genetics, Academic Medical Center
Classification: Benign. Review status: no assertion criteria provided. Collection method: clinical testing. Allele origin: germline. Affected: yes. Study: VKGL Data-share Consensus. Not counted in ClinVar's aggregate classification.

Diagnostic Laboratory, Department of Genetics, University Medical Center Groningen
Classification: Likely benign for Dilated cardiomyopathy 1JJ. Review status: no assertion criteria provided. Collection method: clinical testing. Allele origin: germline. Affected: yes. Study: VKGL Data-share Consensus. Not counted in ClinVar's aggregate classification.

Genome Diagnostics Laboratory, University Medical Center Utrecht
Classification: Benign. Review status: no assertion criteria provided. Collection method: clinical testing. Allele origin: germline. Affected: yes. Study: VKGL Data-share Consensus. Not counted in ClinVar's aggregate classification.

Joint Genome Diagnostic Labs from Nijmegen and Maastricht, Radboudumc and MUMC+
Classification: Benign. Review status: no assertion criteria provided. Collection method: clinical testing. Allele origin: germline. Affected: yes. Study: VKGL Data-share Consensus. Not counted in ClinVar's aggregate classification.